The following is an entry in ClinVar:

ClinVar aggregate classification (germline): Benign (1 of 4 stars; one submission).

Allele frequency attached by ClinVar (database versions not stated): 1000 Genomes Project 30x 0.11305; 1000 Genomes Project 0.11382; gnomAD 0.17187 and 0.17524; TOPMed 0.17604.
gnomAD v4.1: 26,456 of 152,118 alleles (17%); highest among the groups gnomAD compares: Non-Finnish European, 26%; 3,071 homozygotes.

Submission:

GeneDx
Classification: Benign. Last evaluated: 2018-06-18. Review status: criteria provided, single submitter. Criteria: GeneDx Variant Classification (06012015). Collection method: clinical testing. Allele origin: germline. Affected: yes.
Comment: This variant is considered likely benign or benign based on one or more of the following criteria: it is a conservative change, it occurs at a poorly conserved position in the protein, it is predicted to be benign by multiple in silico algorithms, and/or has population frequency not consistent with disease.

NM_001271.4(CHD2):c.826+271C>G

Gene: CHD2 (chromodomain helicase DNA binding protein 2; plus strand). Cytogenetic location: 15q26.1.
Variant type: single nucleotide variant.
Coding change: c.826+271C>G on transcript NM_001271.4 (MANE Select); 271 bases into the intron after coding-DNA position 826, C replaced by G.
Molecular consequence: intron variant.
Genome position (GRCh38, 1-based): chr15:92,942,226, C>G. VCF-style: chr15-92942226-C-G. GRCh37 (hg19) VCF-style: chr15-93485456-C-G.
Other names: c.826+271C>G (NM_001042572.3).
Identifiers: ClinVar variation 668076 (VCV000668076.1), dbSNP rs12904680, ClinGen allele CA15838527.